The following is an entry in ClinVar:

ClinVar aggregate classification (germline): Likely benign. Review status: criteria provided, multiple submitters, no conflicts (2 of 4 stars). 6 submissions from 6 submitters: Likely benign (5). 1 of the submissions does not count toward it. Last evaluated 2025-12-01.

Conditions:
Cardiovascular phenotype. Identifiers: MedGen CN230736.
RYR2-related disorder. Also called: RYR2-related condition.
Catecholaminergic polymorphic ventricular tachycardia (CVPT). Also called: Catecholamine-induced polymorphic ventricular tachycardia. Identifiers: Orphanet 3286, MedGen C5574922, MONDO:0017990.
Cardiomyopathy (CMYO). Also called: Cardiomyopathies. Identifiers: Orphanet 167848, MedGen C0878544, MONDO:0004994, HP:0001638. Inheritance: Various modes of inheritance.
Catecholaminergic polymorphic ventricular tachycardia 1. Also called: VENTRICULAR TACHYCARDIA, STRESS-INDUCED POLYMORPHIC 1; VENTRICULAR TACHYCARDIA, CATECHOLAMINERGIC POLYMORPHIC, 1, WITH OR WITHOUT ATRIAL DYSFUNCTION AND/OR DILATED CARDIOMYOPATHY; RYR2-Related Catecholaminergic Polymorphic Ventricular Tachycardia. Identifiers: Orphanet 3286, MedGen C1631597, MONDO:0011484, OMIM 604772.

Allele frequency attached by ClinVar (database versions not stated): gnomAD exomes 0.00002 and 0.00004; TOPMed 0.00003; gnomAD 0.00006 and 0.00007; ExAC 0.00007; 1000 Genomes Project 30x 0.00031; 1000 Genomes Project 0.00040.
gnomAD v4.1: 36 of 1,609,648 alleles (0.0022%); highest among the groups gnomAD compares: Middle Eastern, 0.083%; no homozygotes.

Submissions (6):

Labcorp Genetics (formerly Invitae), Labcorp
Classification: Likely benign for Catecholaminergic polymorphic ventricular tachycardia 1. Last evaluated: 2025-12-01. Review status: criteria provided, single submitter. Criteria: Invitae Variant Classification Sherloc (09022015). Collection method: clinical testing. Allele origin: germline.

All of Us Research Program, National Institutes of Health
Classification: Likely benign for Catecholaminergic polymorphic ventricular tachycardia. Last evaluated: 2023-12-01. Review status: criteria provided, single submitter. Criteria: ACMG Guidelines, 2015. Collection method: clinical testing. Allele origin: germline. Inheritance: Autosomal dominant inheritance. Observed: 3 variant alleles, 3 heterozygotes.
Comment: This study involves interpretation of variants in research participants for the purpose of population health screening. Participant phenotype was not available at the time of variant classification. Additional details can be found in publication PMID: 35346344, PMCID: PMC8962531

Ambry Genetics
Classification: Likely benign for Cardiovascular phenotype. Last evaluated: 2023-02-12. Review status: criteria provided, single submitter. Criteria: Ambry Variant Classification Scheme 2023. Collection method: clinical testing. Allele origin: germline.

Color Diagnostics, LLC DBA Color Health
Classification: Likely benign for Cardiomyopathy. Last evaluated: 2019-04-15. Review status: criteria provided, single submitter. Criteria: ACMG Guidelines, 2015. Collection method: clinical testing. Allele origin: germline.

Laboratory for Molecular Medicine, Mass General Brigham Personalized Medicine
Classification: Likely benign. Last evaluated: 2015-03-04. Review status: criteria provided, single submitter. Criteria: LMM Criteria. Collection method: clinical testing. Allele origin: germline. Observed: 1 variant allele.
Comment: p.Ala2498Ala in exon 49 of RYR2: This variant is not expected to have clinical s ignificance because it does not alter an amino acid residue and is not located w ithin the splice consensus sequence. It has been identified in 4/7550 African ch romosomes by the Exome Aggregation Consortium (ExAC. org; dbSNP rs533068485).

PreventionGenetics, part of Exact Sciences
Classification: Likely benign for RYR2-related condition. Last evaluated: 2023-01-12. Review status: no assertion criteria provided. Collection method: clinical testing. Allele origin: germline. Not counted in ClinVar's aggregate classification.
Comment: This variant is classified as likely benign based on ACMG/AMP sequence variant interpretation guidelines (Richards et al. 2015 PMID: 25741868, with internal and published modifications).

NM_001035.3(RYR2):c.7494G>A (p.Ala2498=)

Gene: RYR2 (ryanodine receptor 2; plus strand). Cytogenetic location: 1q43.
Variant type: single nucleotide variant.
Coding change: c.7494G>A on transcript NM_001035.3 (MANE Select); coding-DNA position 7494, G replaced by A.
Protein change: p.Ala2498=; no amino-acid change (alanine 2498 retained).
Molecular consequence: synonymous variant.
Genome position (GRCh38, 1-based): chr1:237,648,595, G>A. VCF-style: chr1-237648595-G-A. GRCh37 (hg19) VCF-style: chr1-237811895-G-A.
Identifiers: ClinVar variation 227922 (VCV000227922.19), dbSNP rs533068485, ClinGen allele CA087397.
Genomic context (GRCh38, chr1:237,648,595, plus strand): 5'-TGAGGTTCAAGACTTCCTCCTCCATCTTCTTGAGGTTGGCTTTCTGCCAGATCTCCGGGC[G>A]GCTGCTTCTTTAGATACGGTGAGATTGGAGCGATGGACTTCCTCCTCTCTTGACTCTTCA-3'
Protein context (NP_001026.2, residues 2488-2508): LEVGFLPDLR[Ala2498=]AASLDTAALS